The following is an entry in ClinVar:

ClinVar aggregate classification (germline): Uncertain significance (1 of 4 stars; one submission).

Conditions:
Glomuvenous malformation. Also called: GLOMANGIOMAS, MULTIPLE; GLOMUS TUMORS, MULTIPLE; VENOUS MALFORMATIONS WITH GLOMUS CELLS; Familial glomangioma. Identifiers: Orphanet 83454, MedGen C1841984, MONDO:0007672, OMIM 138000.

Submission:

Clinical Genomics Laboratory, Washington University in St. Louis
Classification: Uncertain significance for Glomuvenous malformation. Last evaluated: 2025-03-26. Review status: criteria provided, single submitter. Criteria: ACMG Guidelines, 2015. Collection method: clinical testing. Allele origin: germline.
Comment: A GLMN c.1719_1720dup (p.Arg574Leufs*9) variant was identified at a near homozygous allelic fraction of 76.6%, a frequency which may be consistent with it being of germline origin. To our knowledge, it has not been reported in the medical literature. This variant is absent from the general population (gnomAD v4.1.0), indicating it is not a common variant. Computational predictors are uncertain as to the impact of this variant on GLMN function. This variant causes a frameshift by duplicating two nucleotides, leading to a premature termination codon; however, because this occurs in the last exon, this is not predicted to lead to nonsense-mediated decay. Due to limited information, and based on ACMG/AMP guidelines for variant interpretation (Richards S et al., PMID: 25741868), the clinical significance of this variant is uncertain at this time.

NM_053274.3(GLMN):c.1719_1720dup (p.Arg574fs)

Gene: GLMN (glomulin, FKBP associated protein; minus strand). Cytogenetic location: 1p22.1.
Variant type: Duplication.
Coding change: c.1719_1720dup on transcript NM_053274.3 (MANE Select); coding-DNA positions 1719 to 1720, 2 bases duplicated (TC; older notation c.1719_1720dupTC).
Protein change: p.Arg574fs; shifts the reading frame from arginine 574.
Molecular consequence: frameshift variant. On other transcripts: non-coding transcript variant (1).
Genome position (GRCh38, 1-based): chr1:92,246,595-92,246,596, GA duplicated on the plus strand (TC on the coding strand, the reverse complement: GLMN is on the minus strand); duplicating any 2 consecutive bases within chr1:92,246,595-92,246,597 gives the same sequence; the c. name uses the placement nearest the transcript's 3' end. VCF-style (leftmost placement, unchanged base first): chr1-92246594-C-CGA. GRCh37 (hg19) VCF-style: chr1-92712151-C-CGA.
Other names: c.1677_1678dup, p.Arg560fs (NM_001319683.2); short protein forms R560fs, R574fs.
Identifiers: ClinVar variation 4279719 (VCV004279719.1).
Genomic context (GRCh38, chr1:92,246,594, plus strand): 5'-TTTATCCCAATATTTTCTTCAGAGGTAGACTTTGTTTTTATTTCAATGAGTTCTTCCACT[C>CGA]GAGCTAGAACACTTTCAATCAAATCAAATGTGAAAAGAGCTGAATGCAGGACCTGCAATG-3'